The following is an entry in ClinVar:

NC_000023.10:g.(?_18671532)_(18671664_?)dup

Genes: CDKL5 (cyclin dependent kinase like 5; plus strand), RS1 (retinoschisin 1; minus strand). Cytogenetic location: Xp22.13.
Variant type: Duplication.
Identifiers: ClinVar variation 1410777 (VCV001410777.6).

ClinVar aggregate classification (germline): Uncertain significance (1 of 4 stars; one submission).

Conditions:
Angelman syndrome-like. Identifiers: MedGen CN128785.
Developmental and epileptic encephalopathy, 2 (DEE2). Also called: INFANTILE SPASM SYNDROME, X-LINKED 2; CDKL5 deficiency disorder. Identifiers: Orphanet 1934, Orphanet 3451, Orphanet 505652, MedGen C4750718, MONDO:0010396, OMIM 300672.

Submission:

Labcorp Genetics (formerly Invitae), Labcorp
Classification: Uncertain significance for Developmental and epileptic encephalopathy, 2; Angelman syndrome-like. Last evaluated: 2023-10-03. Review status: criteria provided, single submitter. Criteria: Invitae Variant Classification Sherloc (09022015). Collection method: clinical testing. Allele origin: germline.
Comment: This variant results in a copy number gain of the genomic region encompassing exon(s) 21 of the CDKL5 gene. This region includes the termination codon of the gene. This copy number gain extends beyond the assayed region for this gene and therefore may encompass additional genes. As the precise location of this event is unknown, it may be in tandem or it may be located elsewhere in the genome. This variant has not been reported in the literature in individuals affected with CDKL5-related conditions. Experimental studies and prediction algorithms are not available or were not evaluated, and the functional significance of this variant is currently unknown. In summary, the available evidence is currently insufficient to determine the role of this variant in disease. Therefore, it has been classified as a Variant of Uncertain Significance.